The following is an entry in ClinVar:

ClinVar aggregate classification (germline): Pathogenic (1 of 4 stars; one submission).

Conditions:
Hereditary diffuse gastric adenocarcinoma (HDGC). Also called: DIFFUSE GASTRIC AND LOBULAR BREAST CANCER SYNDROME. Identifiers: Orphanet 26106, MedGen C1708349, MONDO:0007648, OMIM 137215.

Submission:

European Reference Network on Genetic Tumour Risk Syndromes (ERN-GENTURIS), i3s - Instituto de Investigação e Inovação em Saúde, University of Porto
Classification: Pathogenic for Hereditary diffuse gastric adenocarcinoma. Last evaluated: 2022-08-01. Review status: criteria provided, single submitter. Criteria: Lee et al. (Hum Mutat. 2018). Collection method: clinical testing. Allele origin: germline. Inheritance: Autosomal dominant inheritance. Affected: yes. Study: ERN GENTURIS.
Comment: PVS1; PS4_Supporting; PM2 (PMID: 30311375)

Literature cited by the submitters: PubMed 36436516.

NM_004360.5(CDH1):c.281_283delinsGT (p.Pro94fs)

Gene: CDH1 (cadherin 1; plus strand). Cytogenetic location: 16q22.1.
Variant type: Indel.
Coding change: c.281_283delinsGT on transcript NM_004360.5 (MANE Select); coding-DNA positions 281 to 283, CAC replaced by GT.
Protein change: p.Pro94fs; shifts the reading frame from proline 94.
Molecular consequence: frameshift variant. On other transcripts: 5 prime UTR variant (2).
Genome position (GRCh38, 1-based): chr16:68,801,787-68,801,789, CAC replaced by GT. VCF-style: chr16-68801787-CAC-GT. GRCh37 (hg19) VCF-style: chr16-68835690-CAC-GT.
Other names: c.281_283delinsGT, p.Pro94fs (NM_001317184.2); c.-1335_-1333delinsGT (NM_001317185.2); c.-1539_-1537delinsGT (NM_001317186.2); short protein forms P94fs.
Identifiers: ClinVar variation 2503029 (VCV002503029.1), dbSNP rs2543905237, ClinGen allele CA2580612831.
Genomic context (GRCh38, chr16:68,801,787, plus strand): 5'-GATTCAAAGTGGGCACAGATGGTGTGATTACAGTCAAAAGGCCTCTACGGTTTCATAACC[CAC>GT]AGATCCATTTCTTGGTCTACGCCTGGGACTCCACCTACAGAAAGTTTTCCACCAAAGTCA-3'